The following is an entry in ClinVar:

NM_002609.4(PDGFRB):c.1437C>T (p.Asn479=)

Gene: PDGFRB (platelet derived growth factor receptor beta; minus strand). Cytogenetic location: 5q32.
Variant type: single nucleotide variant.
Coding change: c.1437C>T on transcript NM_002609.4 (MANE Select); coding-DNA position 1437, C replaced by T.
Protein change: p.Asn479=; no amino-acid change (asparagine 479 retained).
Molecular consequence: synonymous variant.
Genome position (GRCh38, 1-based): chr5:150,129,899, G>A on the plus strand (C>T on the coding strand, the complement: PDGFRB is on the minus strand). VCF-style: chr5-150129899-G-A. GRCh37 (hg19) VCF-style: chr5-149509462-G-A.
Other names: c.1245C>T, p.Asn415= (NM_001355016.2); c.954C>T, p.Asn318= (NM_001355017.2).
Identifiers: ClinVar variation 774381 (VCV000774381.26), dbSNP rs371550567, ClinGen allele CA3507982.

ClinVar aggregate classification (germline): Benign/Likely benign. Review status: criteria provided, multiple submitters, no conflicts (2 of 4 stars). 3 submissions from 3 submitters: Benign (1); Likely benign (2). Last evaluated 2024-11-07.

Conditions:
Skeletal overgrowth-craniofacial dysmorphism-hyperelastic skin-white matter lesions syndrome. Also called: SKELETAL OVERGROWTH WITH FACIAL DYSMORPHISM, HYPERELASTIC SKIN, WHITE MATTER LESIONS, AND NEUROLOGIC DETERIORATION; Kosaki overgrowth syndrome. Identifiers: Orphanet 477831, MedGen C4225270, MONDO:0014704, OMIM 616592.
Acroosteolysis-keloid-like lesions-premature aging syndrome. Also called: Premature aging syndrome, Penttinen type; Prematurely aged appearance, delayed bone maturation, acro-osteolysis, and brachydactyly; Progeroid syndrome, Penttinen type. Identifiers: Orphanet 363665, MedGen C1866182, MONDO:0011150, OMIM 601812.
Infantile myofibromatosis (IMF). Also called: Congenital generalized fibromatosis. Identifiers: Orphanet 2591, MedGen C0432284, MONDO:0016824.
Basal ganglia calcification, idiopathic, 4 (PFBC4). Also called: PRIMARY FAMILIAL BRAIN CALCIFICATION 4, AUTOSOMAL DOMINANT; Familial Idiopathic Basal Ganglia Calcification 4. Identifiers: Orphanet 1980, MedGen C3554321, MONDO:0014004, OMIM 615007.

Allele frequency attached by ClinVar (database versions not stated): TOPMed 0.00008; gnomAD 0.00011 and 0.00005; 1000 Genomes Project 0.00140; 1000 Genomes Project 30x 0.00141.
gnomAD v4.1: 124 of 1,614,134 alleles (0.0077%); highest among the groups gnomAD compares: East Asian, 0.062%; no homozygotes.

Submissions (3):

Labcorp Genetics (formerly Invitae), Labcorp
Classification: Benign for Basal ganglia calcification, idiopathic, 4; Skeletal overgrowth-craniofacial dysmorphism-hyperelastic skin-white matter lesions syndrome; Infantile myofibromatosis; Acroosteolysis-keloid-like lesions-premature aging syndrome. Last evaluated: 2024-11-07. Review status: criteria provided, single submitter. Criteria: Invitae Variant Classification Sherloc (09022015). Collection method: clinical testing. Allele origin: germline.

CeGaT Center for Human Genetics Tuebingen
Classification: Likely benign. Last evaluated: 2024-11-01. Review status: criteria provided, single submitter. Criteria: CeGaT Center For Human Genetics Tuebingen Variant Classification Criteria Version 2. Collection method: clinical testing. Allele origin: germline. Affected: yes. Observed: 1 variant allele.
Comment: PDGFRB: BP4, BP7

Blueprint Genetics
Classification: Likely benign. Last evaluated: 2023-08-04. Review status: criteria provided, single submitter. Criteria: ACMG Guidelines, 2015. Collection method: clinical testing. Allele origin: germline.